The following is an entry in ClinVar:

ClinVar aggregate classification (germline): Likely pathogenic. Review status: criteria provided, multiple submitters, no conflicts (2 of 4 stars). 2 submissions from 2 submitters: Likely pathogenic (2). Last evaluated 2022-03-07.

Conditions:
Hereditary cancer-predisposing syndrome. Also called: Tumor predisposition; Neoplastic Syndromes, Hereditary; Hereditary Cancer Syndrome; Hereditary neoplastic syndrome. Identifiers: Orphanet 140162, MedGen C0027672, MeSH D009386, MONDO:0015356.
Ataxia-telangiectasia syndrome (AT). Also called: Cerebello-oculocutaneous telangiectasia; Immunodeficiency with ataxia telangiectasia; ATAXIA-TELANGIECTASIA, COMPLEMENTATION GROUP A; Ataxia-telangiectasia, complementation group D; AT, COMPLEMENTATION GROUP C; ATAXIA-TELANGIECTASIA, FRESNO VARIANT. Identifiers: Orphanet 100, MedGen C0004135, MONDO:0008840, OMIM 208900.

Submissions (2):

Labcorp Genetics (formerly Invitae), Labcorp
Classification: Likely pathogenic for Ataxia-telangiectasia syndrome. Last evaluated: 2022-03-07. Review status: criteria provided, single submitter. Criteria: Invitae Variant Classification Sherloc (09022015). Collection method: clinical testing. Allele origin: germline.
Comment: In summary, the currently available evidence indicates that the variant is pathogenic, but additional data are needed to prove that conclusively. Therefore, this variant has been classified as Likely Pathogenic. Algorithms developed to predict the effect of sequence changes on RNA splicing suggest that this variant may disrupt the consensus splice site. ClinVar contains an entry for this variant (Variation ID: 479103). This variant has not been reported in the literature in individuals affected with ATM-related conditions. This variant is not present in population databases (gnomAD no frequency). This sequence change affects a donor splice site in intron 24 of the ATM gene. It is expected to disrupt RNA splicing. Variants that disrupt the donor or acceptor splice site typically lead to a loss of protein function (PMID: 16199547), and loss-of-function variants in ATM are known to be pathogenic (PMID: 23807571, 25614872).

Ambry Genetics
Classification: Likely pathogenic for Hereditary cancer-predisposing syndrome. Last evaluated: 2017-06-28. Review status: criteria provided, single submitter. Criteria: Ambry Variant Classification Scheme 2023. Collection method: clinical testing. Allele origin: germline.
Comment: The c.3576+1G>T intronic variant results from a G to T substitution one nucleotide after coding exon 23 of the ATM gene. This nucleotide position is highly conserved in available vertebrate species. Using the BDGP and ESEfinder splice site prediction tools, this alteration is predicted to abolish the native splice donor site; however, direct evidence is unavailable. Alterations that disrupt the canonical splice site are expected to cause aberrant splicing, resulting in an abnormal protein or a transcript that is subject to nonsense-mediated mRNA decay. As such, this alteration is classified as likely pathogenic.

Literature cited by the submitters: PubMed 16199547 (cited by Labcorp Genetics (formerly Invitae), Labcorp); PubMed 23807571 (cited by Labcorp Genetics (formerly Invitae), Labcorp); PubMed 25614872 (cited by Labcorp Genetics (formerly Invitae), Labcorp).

NM_000051.4(ATM):c.3576+1G>T

Gene: ATM (ATM serine/threonine kinase; plus strand). Cytogenetic location: 11q22.3.
Variant type: single nucleotide variant.
Coding change: c.3576+1G>T on transcript NM_000051.4 (MANE Select); the canonical splice donor site of the intron after coding-DNA position 3576, G replaced by T.
Molecular consequence: splice donor variant.
Genome position (GRCh38, 1-based): chr11:108,281,169, G>T. VCF-style: chr11-108281169-G-T. GRCh37 (hg19) VCF-style: chr11-108151896-G-T.
Other names: c.3576+1G>T (NM_001351834.2).
Identifiers: ClinVar variation 479103 (VCV000479103.13), dbSNP rs876660621, ClinGen allele CA382520835.